The following is an entry in ClinVar:

ClinVar aggregate classification (germline): Uncertain significance. Review status: criteria provided, multiple submitters, no conflicts (2 of 4 stars). 2 submissions from 2 submitters: Uncertain significance (2). Last evaluated 2021-05-25.

Conditions:
Glycogen storage disease due to lactate dehydrogenase H-subunit deficiency. Identifiers: Orphanet 284435, MedGen C3279904, MONDO:0013587, OMIM 614128.

Allele frequency attached by ClinVar (database versions not stated): ExAC 0.00026; 1000 Genomes Project 30x 0.00031; gnomAD exomes 0.00035 and 0.00037; 1000 Genomes Project 0.00040; TOPMed 0.00044; gnomAD 0.00055 and 0.00057; ESP Exome Variant Server 0.00062.
gnomAD v4.1: 611 of 1,605,460 alleles (0.038%); highest among the groups gnomAD compares: Admixed American, 0.1%; no homozygotes.

Submissions (2):

University of Washington Department of Laboratory Medicine, University of Washington
Classification: Uncertain significance for Glycogen storage disease due to lactate dehydrogenase H-subunit deficiency. Last evaluated: 2021-05-25. Review status: criteria provided, single submitter. Criteria: ACMG Guidelines, 2015. Collection method: clinical testing. Allele origin: unknown. Affected: yes.
Comment: The p.Ser256Asn variant has been submitted to ClinVar (Variation ID: 880883). This variant has been identified in 99/282254 chromosomes by the Genome Aggregation Database, including in 0.4% (41/10366) of chromosomes from individuals of Ashkenazi Jewish ancestry. Although this variant has been seen in the general population, its frequency may be low enough to be consistent with a recessive carrier frequency. In silico tools do not consistently predict if the p.Ser256Asn variant impacts protein function. Using ACMG guidelines, this variant was classified as a variant of uncertain significance (ACMG evidence codes used: PS3_supporting).

Illumina Laboratory Services, Illumina
Classification: Uncertain significance for Glycogen storage disease due to lactate dehydrogenase H-subunit deficiency. Last evaluated: 2017-04-27. Review status: criteria provided, single submitter. Criteria: ICSL Variant Classification Criteria 13 December 2019. Collection method: clinical testing. Allele origin: germline.

NM_002300.8(LDHB):c.767G>A (p.Ser256Asn)

Gene: LDHB (lactate dehydrogenase B; minus strand). Cytogenetic location: 12p12.1.
Variant type: single nucleotide variant.
Coding change: c.767G>A on transcript NM_002300.8 (MANE Select); coding-DNA position 767, G replaced by A.
Protein change: p.Ser256Asn; replaces serine 256 with asparagine.
Molecular consequence: missense variant.
Genome position (GRCh38, 1-based): chr12:21,637,141, C>T on the plus strand (G>A on the coding strand, the complement: LDHB is on the minus strand). VCF-style: chr12-21637141-C-T. GRCh37 (hg19) VCF-style: chr12-21790075-C-T.
Other names: c.767G>A (NM_002300.7); c.767G>A, p.Ser256Asn (NM_001174097.3, NM_001315537.2); short protein forms S256N.
Identifiers: ClinVar variation 880883 (VCV000880883.5), dbSNP rs145355418, ClinGen allele CA6480372.